The following is an entry in ClinVar:

ClinVar aggregate classification (germline): Uncertain significance (1 of 4 stars; one submission).

Allele frequency attached by ClinVar (database versions not stated): ExAC 0.00001; gnomAD 0.00001; gnomAD exomes 0.00001.
gnomAD v4.1: 14 of 1,613,796 alleles (0.00087%); highest among the groups gnomAD compares: South Asian, 0.011%; no homozygotes.

Submission:

Labcorp Genetics (formerly Invitae), Labcorp
Classification: Uncertain significance. Last evaluated: 2021-11-27. Review status: criteria provided, single submitter. Criteria: Invitae Variant Classification Sherloc (09022015). Collection method: clinical testing. Allele origin: germline.
Comment: This variant is present in population databases (rs772914539, gnomAD 0.01%). This sequence change replaces histidine, which is basic and polar, with arginine, which is basic and polar, at codon 837 of the MYO1E protein (p.His837Arg). This variant has not been reported in the literature in individuals affected with MYO1E-related conditions. Algorithms developed to predict the effect of missense changes on protein structure and function are either unavailable or do not agree on the potential impact of this missense change (SIFT: "Deleterious"; PolyPhen-2: "Probably Damaging"; Align-GVGD: "Class C0"). Algorithms developed to predict the effect of sequence changes on RNA splicing suggest that this variant may create or strengthen a splice site. In summary, the available evidence is currently insufficient to determine the role of this variant in disease. Therefore, it has been classified as a Variant of Uncertain Significance.

NM_004998.4(MYO1E):c.2510A>G (p.His837Arg)

Gene: MYO1E (myosin IE; minus strand). Cytogenetic location: 15q22.2.
Variant type: single nucleotide variant.
Coding change: c.2510A>G on transcript NM_004998.4 (MANE Select); coding-DNA position 2510, A replaced by G.
Protein change: p.His837Arg; replaces histidine 837 with arginine.
Molecular consequence: missense variant.
Genome position (GRCh38, 1-based): chr15:59,163,274, T>C on the plus strand (A>G on the coding strand, the complement: MYO1E is on the minus strand). VCF-style: chr15-59163274-T-C. GRCh37 (hg19) VCF-style: chr15-59455473-T-C.
Other names: short protein forms H837R.
Identifiers: ClinVar variation 1407616 (VCV001407616.6), dbSNP rs772914539, ClinGen allele CA7589198.